The following is an entry in ClinVar:

NM_001077653.2(TBX20):c.26C>T (p.Pro9Leu)

Gene: TBX20 (T-box transcription factor 20; minus strand). Cytogenetic location: 7p14.2.
Variant type: single nucleotide variant.
Coding change: c.26C>T on transcript NM_001077653.2 (MANE Select); coding-DNA position 26, C replaced by T.
Protein change: p.Pro9Leu; replaces proline 9 with leucine.
Molecular consequence: missense variant.
Genome position (GRCh38, 1-based): chr7:35,253,595, G>A on the plus strand (C>T on the coding strand, the complement: TBX20 is on the minus strand). VCF-style: chr7-35253595-G-A. GRCh37 (hg19) VCF-style: chr7-35293206-G-A.
Other names: c.26C>T, p.Pro9Leu (NM_001166220.1); short protein forms P9L.
Identifiers: ClinVar variation 3720583 (VCV003720583.2).

ClinVar aggregate classification (germline): Uncertain significance (1 of 4 stars; one submission).

Submission:

Labcorp Genetics (formerly Invitae), Labcorp
Classification: Uncertain significance. Last evaluated: 2024-04-13. Review status: criteria provided, single submitter. Criteria: Invitae Variant Classification Sherloc (09022015). Collection method: clinical testing. Allele origin: germline.
Comment: This sequence change replaces proline, which is neutral and non-polar, with leucine, which is neutral and non-polar, at codon 9 of the TBX20 protein (p.Pro9Leu). This variant is not present in population databases (gnomAD no frequency). This variant has not been reported in the literature in individuals affected with TBX20-related conditions. An algorithm developed to predict the effect of missense changes on protein structure and function (PolyPhen-2) suggests that this variant is likely to be disruptive. In summary, the available evidence is currently insufficient to determine the role of this variant in disease. Therefore, it has been classified as a Variant of Uncertain Significance.